The following is an entry in ClinVar:

ClinVar aggregate classification (germline): Uncertain significance. Review status: criteria provided, multiple submitters, no conflicts (2 of 4 stars). 6 submissions from 6 submitters: Uncertain significance (6). Last evaluated 2026-01-21.

Conditions:
Catecholaminergic polymorphic ventricular tachycardia 1. Also called: VENTRICULAR TACHYCARDIA, CATECHOLAMINERGIC POLYMORPHIC, 1, WITH OR WITHOUT ATRIAL DYSFUNCTION AND/OR DILATED CARDIOMYOPATHY; VENTRICULAR TACHYCARDIA, STRESS-INDUCED POLYMORPHIC 1; RYR2-Related Catecholaminergic Polymorphic Ventricular Tachycardia. Identifiers: Orphanet 3286, MedGen C1631597, MONDO:0011484, OMIM 604772.
Catecholaminergic polymorphic ventricular tachycardia 2. Also called: VENTRICULAR TACHYCARDIA, STRESS-INDUCED POLYMORPHIC 2; CASQ2-Related Catecholaminergic Polymorphic Ventricular Tachycardia. Identifiers: Orphanet 3286, MedGen C2677794, MONDO:0012762, OMIM 611938.
Cardiovascular phenotype. Identifiers: MedGen CN230736.

Allele frequency attached by ClinVar (database versions not stated): gnomAD 0.00002 and 0.00001; ExAC 0.00003; TOPMed 0.00001; gnomAD exomes 0.00002.
gnomAD v4.1: 31 of 1,611,958 alleles (0.0019%); highest among the groups gnomAD compares: Middle Eastern, 0.016%; no homozygotes.

Submissions (6):

Ambry Genetics
Classification: Uncertain significance for Cardiovascular phenotype. Last evaluated: 2026-01-21. Review status: criteria provided, single submitter. Criteria: Ambry Variant Classification Scheme 2023. Collection method: clinical testing. Allele origin: germline.
Comment: The p.K205N variant (also known as c.615G>T), located in coding exon 6 of the CASQ2 gene, results from a G to T substitution at nucleotide position 615. The lysine at codon 205 is replaced by asparagine, an amino acid with similar properties. This amino acid position is highly conserved in available vertebrate species. In addition, this alteration is predicted to be tolerated by in silico analysis. Based on the available evidence, the clinical significance of this variant remains unclear.

Genome-Nilou Lab
Classification: Uncertain significance for Catecholaminergic polymorphic ventricular tachycardia 2. Last evaluated: 2023-04-11. Review status: criteria provided, single submitter. Criteria: ACMG Guidelines, 2015. Collection method: clinical testing. Allele origin: germline. Affected: no.

Baylor Genetics
Classification: Uncertain significance for Catecholaminergic polymorphic ventricular tachycardia 2. Last evaluated: 2022-10-16. Review status: criteria provided, single submitter. Criteria: ACMG Guidelines, 2015. Collection method: clinical testing. Allele origin: unknown.

Labcorp Genetics (formerly Invitae), Labcorp
Classification: Uncertain significance for Catecholaminergic polymorphic ventricular tachycardia 1. Last evaluated: 2021-09-20. Review status: criteria provided, single submitter. Criteria: Invitae Variant Classification Sherloc (09022015). Collection method: clinical testing. Allele origin: germline.
Comment: This sequence change replaces lysine with asparagine at codon 205 of the CASQ2 protein (p.Lys205Asn). The lysine residue is highly conserved and there is a moderate physicochemical difference between lysine and asparagine. This variant is present in population databases (rs758082383, ExAC 0.006%). This variant has not been reported in the literature in individuals affected with CASQ2-related conditions. Algorithms developed to predict the effect of missense changes on protein structure and function (SIFT, PolyPhen-2, Align-GVGD) all suggest that this variant is likely to be disruptive. In summary, the available evidence is currently insufficient to determine the role of this variant in disease. Therefore, it has been classified as a Variant of Uncertain Significance.

Fulgent Genetics
Classification: Uncertain significance for Catecholaminergic polymorphic ventricular tachycardia 1; Catecholaminergic polymorphic ventricular tachycardia 2. Last evaluated: 2021-09-03. Review status: criteria provided, single submitter. Criteria: ACMG Guidelines, 2015. Collection method: clinical testing. Allele origin: unknown.

GeneDx
Classification: Uncertain significance. Last evaluated: 2017-11-22. Review status: criteria provided, single submitter. Criteria: GeneDx Variant Classification (06012015). Collection method: clinical testing. Allele origin: germline. Affected: yes.
Comment: A variant of uncertain significance has been identified in the CASQ2 gene. The K205N variant has been reported in one patient with sudden cardiac death (Hertz et al., 2016); however, segregation data and functional studies were not provided. This variant is not observed at a significant frequency in large population cohorts (Lek et al., 2016). The K205N variant is a semi-conservative amino acid substitution, which may impact secondary protein structure as these residues differ in some properties. Finally, in-silico analyses, including protein predictors and evolutionary conservation, support a deleterious effect.

NM_001232.4(CASQ2):c.615G>T (p.Lys205Asn)

Gene: CASQ2 (calsequestrin 2; minus strand). Cytogenetic location: 1p13.1.
Variant type: single nucleotide variant.
Coding change: c.615G>T on transcript NM_001232.4 (MANE Select); coding-DNA position 615, G replaced by T.
Protein change: p.Lys205Asn; replaces lysine 205 with asparagine.
Molecular consequence: missense variant.
Genome position (GRCh38, 1-based): chr1:115,727,114, C>A on the plus strand (G>T on the coding strand, the complement: CASQ2 is on the minus strand). VCF-style: chr1-115727114-C-A. GRCh37 (hg19) VCF-style: chr1-116269735-C-A.
Other names: short protein forms K205N.
Identifiers: ClinVar variation 420366 (VCV000420366.10), dbSNP rs758082383, ClinGen allele CA1023833.